The following is an entry in ClinVar:

ClinVar aggregate classification (germline): Uncertain significance (1 of 4 stars; one submission).

Allele frequency attached by ClinVar (database versions not stated): 1000 Genomes Project 30x 0.00016; ESP Exome Variant Server 0.00031.

Submission:

Labcorp Genetics (formerly Invitae), Labcorp
Classification: Uncertain significance. Last evaluated: 2025-12-02. Review status: criteria provided, single submitter. Criteria: Invitae Variant Classification Sherloc (09022015). Collection method: clinical testing. Allele origin: germline.
Comment: This sequence change replaces glutamic acid, which is acidic and polar, with glutamine, which is neutral and polar, at codon 173 of the OR2W3 protein (p.Glu173Gln). This variant is present in population databases (rs139271211, gnomAD 0.04%). This variant has not been reported in the literature in individuals affected with OR2W3-related conditions. ClinVar contains an entry for this variant (Variation ID: 2051015). An algorithm developed to predict the effect of missense changes on protein structure and function (PolyPhen-2) suggests that this variant is likely to be tolerated. In summary, the available evidence is currently insufficient to determine the role of this variant in disease. Therefore, it has been classified as a Variant of Uncertain Significance.

NM_001001957.2(OR2W3):c.517G>C (p.Glu173Gln)

Gene: OR2W3 (olfactory receptor family 2 subfamily W member 3; plus strand). Cytogenetic location: 1q44.
Variant type: single nucleotide variant.
Coding change: c.517G>C on transcript NM_001001957.2 (MANE Select); coding-DNA position 517, G replaced by C.
Protein change: p.Glu173Gln; replaces glutamic acid 173 with glutamine.
Molecular consequence: missense variant.
Genome position (GRCh38, 1-based): chr1:247,896,103, G>C. VCF-style: chr1-247896103-G-C. GRCh37 (hg19) VCF-style: chr1-248059405-G-C.
Other names: short protein forms E173Q.
Identifiers: ClinVar variation 2051015 (VCV002051015.4), dbSNP rs139271211, ClinGen allele CA1498619.